The following is an entry in ClinVar:

NM_000182.5(HADHA):c.2009A>G (p.Asp670Gly)

Genes: GAREM2 (GRB2 associated regulator of MAPK1 subtype 2; plus strand), HADHA (hydroxyacyl-CoA dehydrogenase trifunctional multienzyme complex subunit alpha; minus strand). Cytogenetic location: 2p23.3.
Variant type: single nucleotide variant.
Coding change: c.2009A>G on transcript NM_000182.5 (MANE Select); coding-DNA position 2009, A replaced by G.
Protein change: p.Asp670Gly; replaces aspartic acid 670 with glycine.
Molecular consequence: missense variant.
Genome position (GRCh38, 1-based): chr2:26,191,620, T>C on the plus strand (A>G on the coding strand, the complement: HADHA is on the minus strand). VCF-style: chr2-26191620-T-C. GRCh37 (hg19) VCF-style: chr2-26414489-T-C.
Other names: short protein forms D670G.
Identifiers: ClinVar variation 3760612 (VCV003760612.2).

ClinVar aggregate classification (germline): Uncertain significance (1 of 4 stars; one submission).

Conditions:
Long chain 3-hydroxyacyl-CoA dehydrogenase deficiency. Also called: LCHAD Deficiency; Deficiency of long-chain 3-hydroxyacyl-coenzyme A dehydrogenase. Identifiers: Orphanet 5, MedGen C3711645, MONDO:0012173, OMIM 609016.
Mitochondrial trifunctional protein deficiency. Identifiers: Orphanet 746, MedGen C1969443, MONDO:0012172.

gnomAD v4.1: 9 of 1,613,948 alleles (0.00056%); highest among the groups gnomAD compares: East Asian, 0.018%; no homozygotes.

Submission:

Labcorp Genetics (formerly Invitae), Labcorp
Classification: Uncertain significance for Mitochondrial trifunctional protein deficiency; Long chain 3-hydroxyacyl-CoA dehydrogenase deficiency. Last evaluated: 2024-07-31. Review status: criteria provided, single submitter. Criteria: Invitae Variant Classification Sherloc (09022015). Collection method: clinical testing. Allele origin: germline.
Comment: This sequence change replaces aspartic acid, which is acidic and polar, with glycine, which is neutral and non-polar, at codon 670 of the HADHA protein (p.Asp670Gly). This variant is present in population databases (rs759778780, gnomAD 0.02%). This variant has not been reported in the literature in individuals affected with HADHA-related conditions. Advanced modeling of protein sequence and biophysical properties (such as structural, functional, and spatial information, amino acid conservation, physicochemical variation, residue mobility, and thermodynamic stability) performed at Invitae indicates that this missense variant is not expected to disrupt HADHA protein function with a negative predictive value of 80%. In summary, the available evidence is currently insufficient to determine the role of this variant in disease. Therefore, it has been classified as a Variant of Uncertain Significance.